The following is an entry in ClinVar:

ClinVar aggregate classification (germline): Pathogenic/Likely pathogenic. Review status: criteria provided, multiple submitters, no conflicts (2 of 4 stars). 3 submissions from 3 submitters: Pathogenic (2); Likely pathogenic (1). Last evaluated 2025-09-14.

Conditions:
Joubert syndrome and related disorders. Identifiers: Orphanet 140874, MedGen C5679612, MONDO:0015369.
Joubert syndrome. Also called: JOUBERT-BOLTSHAUSER SYNDROME; Familial aplasia of the vermis. Identifiers: Orphanet 475, MedGen C5979921, MONDO:0018772.
Meckel-Gruber syndrome. Also called: DYSENCEPHALIA SPLANCHNOCYSTICA; GRUBER SYNDROME; Dysencephalia splachnocystica. Identifiers: Orphanet 564, MedGen C0265215, MONDO:0018921.
CC2D2A-related disorder. Also called: CC2D2A-related condition; CC2D2A-related disorders. Identifiers: MedGen CN239313.

gnomAD v4.1: 1 of 1,612,294 alleles (0.000062%); highest among the groups gnomAD compares: East Asian, 0.0022%; no homozygotes.

Submissions (3):

Myriad Genetics, Inc.
Classification: Pathogenic for Joubert syndrome and related disorders. Last evaluated: 2025-09-14. Review status: criteria provided, single submitter. Criteria: Myriad Autosomal Dominant, Autosomal Recessive and X-Linked Classification Criteria (2023). Collection method: clinical testing. Allele origin: unknown.
Comment: NM_001080522.2(CC2D2A):c.3964C>T(Q1322*) is expected to be pathogenic in the context of CC2D2A-related disorders. This variant is predicted to lead to an abnormal or absent protein product due to the creation of a premature termination codon in CC2D2A, a gene where loss-of-function variants are known to be pathogenic. Please note: this variant was assessed in the context of healthy population screening.

Labcorp Genetics (formerly Invitae), Labcorp
Classification: Pathogenic for Joubert syndrome; Meckel-Gruber syndrome. Last evaluated: 2024-08-02. Review status: criteria provided, single submitter. Criteria: Invitae Variant Classification Sherloc (09022015). Collection method: clinical testing. Allele origin: germline.
Comment: This sequence change creates a premature translational stop signal (p.Gln1322*) in the CC2D2A gene. It is expected to result in an absent or disrupted protein product. Loss-of-function variants in CC2D2A are known to be pathogenic (PMID: 19777577). This variant is present in population databases (no rsID available, gnomAD 0.006%). This variant has not been reported in the literature in individuals affected with CC2D2A-related conditions. Algorithms developed to predict the effect of sequence changes on RNA splicing suggest that this variant may disrupt the consensus splice site. For these reasons, this variant has been classified as Pathogenic.

Blueprint Genetics
Classification: Likely pathogenic for CC2D2A-related disorders. Last evaluated: 2022-01-07. Review status: criteria provided, single submitter. Criteria: ACMG Guidelines, 2015. Collection method: clinical testing. Allele origin: germline. Affected: yes. Observed: 1 variant allele.

Literature cited by the submitters: PubMed 19777577 (cited by Labcorp Genetics (formerly Invitae), Labcorp).

NM_001378615.1(CC2D2A):c.3964C>T (p.Gln1322Ter)

Genes: CC2D2A (coiled-coil and C2 domain containing 2A; plus strand), FBXL5 (F-box and leucine rich repeat protein 5; minus strand). Cytogenetic location: 4p15.32.
Variant type: single nucleotide variant.
Coding change: c.3964C>T on transcript NM_001378615.1 (MANE Select); coding-DNA position 3964, C replaced by T.
Protein change: p.Gln1322Ter; replaces glutamine 1322 with a stop codon.
Molecular consequence: nonsense.
Genome position (GRCh38, 1-based): chr4:15,580,160, C>T. VCF-style: chr4-15580160-C-T. GRCh37 (hg19) VCF-style: chr4-15581783-C-T.
Other names: c.3964C>T, p.Gln1322Ter (NM_001080522.2); c.3817C>T, p.Gln1273Ter (NM_001378617.1); short protein forms Q1273*, Q1322*.
Identifiers: ClinVar variation 3751215 (VCV003751215.4).
Genomic context (GRCh38, chr4:15,580,160, plus strand): 5'-CGTTATCTCAAACCTTTAAACCCTCCTCAGGAGCTCCTTAATGTCTACCCCAATAATCTA[C>T]AGGCAACTGCAGTAAGTATTTCATAGTCAATAAGTGCTGTGCTAAAACTGTTTTCACATT-3'